The following is an entry in ClinVar:

ClinVar aggregate classification (germline): Uncertain significance. Review status: criteria provided, multiple submitters, no conflicts (2 of 4 stars). 2 submissions from 2 submitters: Uncertain significance (2). Last evaluated 2025-03-12.

Conditions:
EGFR-related lung cancer (EGFR). Identifiers: MedGen CN130014.
Hereditary cancer-predisposing syndrome. Also called: Hereditary Cancer Syndrome; Hereditary neoplastic syndrome; Neoplastic Syndromes, Hereditary; Tumor predisposition. Identifiers: Orphanet 140162, MedGen C0027672, MeSH D009386, MONDO:0015356.

gnomAD v4.1: 1 of 1,614,242 alleles (0.000062%); highest among the groups gnomAD compares: East Asian, 0.0022%; no homozygotes.

Submissions (2):

Ambry Genetics
Classification: Uncertain significance for Hereditary cancer-predisposing syndrome. Last evaluated: 2025-03-12. Review status: criteria provided, single submitter. Criteria: Ambry Variant Classification Scheme 2023. Collection method: clinical testing. Allele origin: germline.
Comment: The p.S286T variant (also known as c.857G>C), located in coding exon 7 of the EGFR gene, results from a G to C substitution at nucleotide position 857. The serine at codon 286 is replaced by threonine, an amino acid with similar properties. This amino acid position is conserved. In addition, this alteration is predicted to be tolerated by in silico analysis. Based on the available evidence, the clinical significance of this variant remains unclear.

Labcorp Genetics (formerly Invitae), Labcorp
Classification: Uncertain significance for EGFR-related lung cancer. Last evaluated: 2023-06-02. Review status: criteria provided, single submitter. Criteria: Invitae Variant Classification Sherloc (09022015). Collection method: clinical testing. Allele origin: germline.
Comment: Advanced modeling of protein sequence and biophysical properties (such as structural, functional, and spatial information, amino acid conservation, physicochemical variation, residue mobility, and thermodynamic stability) performed at Invitae indicates that this missense variant is not expected to disrupt EGFR protein function. ClinVar contains an entry for this variant (Variation ID: 1926947). In summary, the available evidence is currently insufficient to determine the role of this variant in disease. Therefore, it has been classified as a Variant of Uncertain Significance. This variant is not present in population databases (gnomAD no frequency). This variant has not been reported in the literature in individuals affected with EGFR-related conditions. This sequence change replaces serine, which is neutral and polar, with threonine, which is neutral and polar, at codon 286 of the EGFR protein (p.Ser286Thr).

NM_005228.5(EGFR):c.857G>C (p.Ser286Thr)

Gene: EGFR (epidermal growth factor receptor; plus strand). Cytogenetic location: 7p11.2.
Variant type: single nucleotide variant.
Coding change: c.857G>C on transcript NM_005228.5 (MANE Select); coding-DNA position 857, G replaced by C.
Protein change: p.Ser286Thr; replaces serine 286 with threonine.
Molecular consequence: missense variant. On other transcripts: intron variant (1).
Genome position (GRCh38, 1-based): chr7:55,154,120, G>C. VCF-style: chr7-55154120-G-C. GRCh37 (hg19) VCF-style: chr7-55221813-G-C.
Other names: c.722G>C, p.Ser241Thr (NM_001346897.2, NM_001346899.2); c.857G>C, p.Ser286Thr (NM_001346898.2, NM_201282.2, NM_201283.2 and 1 more transcripts); c.698G>C, p.Ser233Thr (NM_001346900.2); c.89-1710G>C (NM_001346941.2); short protein forms S241T, S286T, S233T.
Identifiers: ClinVar variation 1926947 (VCV001926947.6), dbSNP rs2128935109, ClinGen allele CA367577829.